The following is an entry in ClinVar:

NM_000548.5(TSC2):c.1328A>G (p.Gln443Arg)

Gene: TSC2 (TSC complex subunit 2; plus strand). Cytogenetic location: 16p13.3.
Variant type: single nucleotide variant.
Coding change: c.1328A>G on transcript NM_000548.5 (MANE Select); coding-DNA position 1328, A replaced by G.
Protein change: p.Gln443Arg; replaces glutamine 443 with arginine.
Molecular consequence: missense variant. On other transcripts: 5 prime UTR variant (10), non-coding transcript variant (5).
Genome position (GRCh38, 1-based): chr16:2,062,567, A>G. VCF-style: chr16-2062567-A-G. GRCh37 (hg19) VCF-style: chr16-2112568-A-G.
Other names: c.1328A>G, p.Gln443Arg (NM_001077183.3, NM_001114382.3, NM_001363528.2 and 6 more transcripts); c.1217A>G, p.Gln406Arg (NM_001318827.2, NM_001406670.1, NM_001406678.1); c.1181A>G, p.Gln394Arg (NM_001318829.2, NM_001406675.1, NM_001406676.1 and 1 more transcripts); c.728A>G, p.Gln243Arg (NM_001318831.2, NM_001406680.1, NM_001406682.1 and 6 more transcripts); c.1361A>G, p.Gln454Arg (NM_001318832.2); c.1418A>G, p.Gln473Arg (NM_001406667.1, NM_001406668.1); c.1316A>G, p.Gln439Arg (NM_001406671.1, NM_001406673.1); c.1271A>G, p.Gln424Arg (NM_001406677.1); and 3 more; short protein forms Q394R, Q289R, Q406R, Q424R, Q439R, Q454R, Q243R, Q443R.
Identifiers: ClinVar variation 3637188 (VCV003637188.3).

ClinVar aggregate classification (germline): Uncertain significance. Review status: criteria provided, multiple submitters, no conflicts (2 of 4 stars). 2 submissions from 2 submitters: Uncertain significance (2). Last evaluated 2026-07-16.

Conditions:
Tuberous sclerosis 2 (TSC2). Identifiers: Orphanet 805, MedGen C1860707, MONDO:0013199, OMIM 613254.
Hereditary cancer-predisposing syndrome. Also called: Hereditary neoplastic syndrome; Neoplastic Syndromes, Hereditary; Tumor predisposition; Hereditary Cancer Syndrome. Identifiers: Orphanet 140162, MedGen C0027672, MeSH D009386, MONDO:0015356.

Submissions (2):

Ambry Genetics
Classification: Uncertain significance for Hereditary cancer-predisposing syndrome. Last evaluated: 2026-07-16. Review status: criteria provided, single submitter. Criteria: Ambry Variant Classification Scheme 2023. Collection method: clinical testing. Allele origin: germline.
Comment: The p.Q443R variant (also known as c.1328A>G), located in coding exon 12 of the TSC2 gene, results from an A to G substitution at nucleotide position 1328. The glutamine at codon 443 is replaced by arginine, an amino acid with highly similar properties. This amino acid position is conserved. In addition, the in silico prediction for this alteration is inconclusive. Based on the available evidence, the clinical significance of this variant remains unclear.

Labcorp Genetics (formerly Invitae), Labcorp
Classification: Uncertain significance for Tuberous sclerosis 2. Last evaluated: 2025-07-21. Review status: criteria provided, single submitter. Criteria: Invitae Variant Classification Sherloc (09022015). Collection method: clinical testing. Allele origin: germline.
Comment: This sequence change replaces glutamine, which is neutral and polar, with arginine, which is basic and polar, at codon 443 of the TSC2 protein (p.Gln443Arg). This variant is not present in population databases (gnomAD no frequency). This variant has not been reported in the literature in individuals affected with TSC2-related conditions. ClinVar contains an entry for this variant (Variation ID: 3637188). Invitae Evidence Modeling of protein sequence and biophysical properties (such as structural, functional, and spatial information, amino acid conservation, physicochemical variation, residue mobility, and thermodynamic stability) indicates that this missense variant is not expected to disrupt TSC2 protein function with a negative predictive value of 95%. In summary, the available evidence is currently insufficient to determine the role of this variant in disease. Therefore, it has been classified as a Variant of Uncertain Significance.